The following is an entry in ClinVar:

NM_152296.5(ATP1A3):c.124T>C (p.Cys42Arg)

Gene: ATP1A3 (ATPase Na+/K+ transporting subunit alpha 3; minus strand). Cytogenetic location: 19q13.2.
Variant type: single nucleotide variant.
Coding change: c.124T>C on transcript NM_152296.5 (MANE Select); coding-DNA position 124, T replaced by C.
Protein change: p.Cys42Arg; replaces cysteine 42 with arginine.
Molecular consequence: missense variant.
Genome position (GRCh38, 1-based): chr19:41,988,347, A>G on the plus strand (T>C on the coding strand, the complement: ATP1A3 is on the minus strand). VCF-style: chr19-41988347-A-G. GRCh37 (hg19) VCF-style: chr19-42492499-A-G.
Other names: c.157T>C, p.Cys53Arg (NM_001256213.2); c.163T>C, p.Cys55Arg (NM_001256214.2); short protein forms C55R, C53R, C42R.
Identifiers: ClinVar variation 931868 (VCV000931868.3), dbSNP rs2075305399, ClinGen allele CA406057330.

ClinVar aggregate classification (germline): Uncertain significance (1 of 4 stars; one submission).

Conditions:
Dystonia 12 (DYT12). Also called: DYT-ATP1A3; Rapid-Onset Dystonia-Parkinsonism (RDP). Identifiers: Orphanet 71517, MedGen C1868681, MONDO:0007496, OMIM 128235.

Submission:

Centre for Mendelian Genomics, University Medical Centre Ljubljana
Classification: Uncertain significance for Dystonia 12. Last evaluated: 2020-03-27. Review status: criteria provided, single submitter. Criteria: ACMG Guidelines, 2015. Collection method: clinical testing. Allele origin: unknown. Affected: yes.
Comment: This variant was classified as: Uncertain significance. The available evidence on this variant's pathogenicity is insufficient or conflicting. The following ACMG criteria were applied in classifying this variant: PM2.